The following is an entry in ClinVar:

ClinVar aggregate classification (germline): Uncertain significance (1 of 4 stars; one submission).

Conditions:
Inborn genetic diseases. Identifiers: MedGen C0950123, MeSH D030342.

Submission:

Ambry Genetics
Classification: Uncertain significance for Inborn genetic diseases. Last evaluated: 2025-08-23. Review status: criteria provided, single submitter. Criteria: Ambry Variant Classification Scheme 2023. Collection method: clinical testing. Allele origin: germline.
Comment: The p.A37P variant (also known as c.109G>C), located in coding exon 1 of the GATA2 gene, results from a G to C substitution at nucleotide position 109. The alanine at codon 37 is replaced by proline, an amino acid with highly similar properties. This amino acid position is conserved. In addition, this alteration is predicted to be deleterious by in silico analysis. Based on the available evidence, the clinical significance of this variant remains unclear.

NM_032638.5(GATA2):c.109G>C (p.Ala37Pro)

Gene: GATA2 (GATA binding protein 2; minus strand). Cytogenetic location: 3q21.3.
Variant type: single nucleotide variant.
Coding change: c.109G>C on transcript NM_032638.5 (MANE Select); coding-DNA position 109, G replaced by C.
Protein change: p.Ala37Pro; replaces alanine 37 with proline.
Molecular consequence: missense variant.
Genome position (GRCh38, 1-based): chr3:128,486,923, C>G on the plus strand (G>C on the coding strand, the complement: GATA2 is on the minus strand). VCF-style: chr3-128486923-C-G. GRCh37 (hg19) VCF-style: chr3-128205766-C-G.
Other names: c.109G>C, p.Ala37Pro (NM_001145661.2, NM_001145662.1); short protein forms A37P.
Identifiers: ClinVar variation 4262101 (VCV004262101.1).